The following is an entry in ClinVar:

ClinVar aggregate classification (germline): Uncertain significance (1 of 4 stars; one submission).

Submission:

GeneDx
Classification: Uncertain significance. Last evaluated: 2022-11-15. Review status: criteria provided, single submitter. Criteria: GeneDx Variant Classification Process June 2021. Collection method: clinical testing. Allele origin: germline. Affected: yes.
Comment: Not observed at significant frequency in large population cohorts (gnomAD); Frameshift variant predicted to result in protein truncation or nonsense mediated decay in a gene or region of a gene for which loss of function is not a well-established mechanism of disease; Has not been previously published as pathogenic or benign to our knowledge; Variants in candidate genes are classified as variants of uncertain significance in accordance with ACMG guidelines (Richards et al., 2015)

NM_006885.4(ZFHX3):c.3989del (p.Lys1330fs)

Genes: ZFHX3 (zinc finger homeobox 3; minus strand), ZFHX3-AS1 (ZFHX3 antisense RNA 1; plus strand). Cytogenetic location: 16q22.2.
Variant type: Deletion.
Coding change: c.3989del on transcript NM_006885.4 (MANE Select); coding-DNA position 3989, one base deleted (A; older notation c.3989delA).
Protein change: p.Lys1330fs; shifts the reading frame from lysine 1330.
Molecular consequence: frameshift variant.
Genome position (GRCh38, 1-based): chr16:72,798,693, T deleted on the plus strand (A on the coding strand, the reverse complement: ZFHX3 is on the minus strand); the first of 3 consecutive T bases (chr16:72,798,693-72,798,695); deleting any one gives the same sequence. VCF-style (leftmost placement, unchanged base first): chr16-72798692-CT-C. GRCh37 (hg19) VCF-style: chr16-72832591-CT-C.
Other names: c.1247del, p.Lys416fs (NM_001164766.2); c.3989del, p.Lys1330fs (NM_001386735.1); short protein forms K1330fs, K416fs.
Identifiers: ClinVar variation 3342708 (VCV003342708.1).